The following is an entry in ClinVar:

ClinVar aggregate classification (germline): Uncertain significance (1 of 4 stars; one submission).

Allele frequency attached by ClinVar (database versions not stated): gnomAD exomes below 0.00001.

Submission:

Labcorp Genetics (formerly Invitae), Labcorp
Classification: Uncertain significance. Last evaluated: 2017-04-06. Review status: criteria provided, single submitter. Criteria: Invitae Variant Classification Sherloc (09022015). Collection method: clinical testing. Allele origin: germline.
Comment: This variant is not present in population databases (ExAC no frequency) and has not been reported in the literature in individuals with an XRCC2-related disease. The current clinical and genetic evidence is not sufficient to establish whether loss-of-function variants in XRCC2 cause disease. Therefore, this variant has been classified as a Variant of Uncertain Significance. This sequence change results in a premature translational stop signal in the last exon of the XRCC2 mRNA at codon 200 (p.Gln200*). While this is not anticipated to result in nonsense mediated decay, it is expected to delete the last 80 amino acids of the XRCC2 protein.

NM_005431.2(XRCC2):c.598C>T (p.Gln200Ter)

Gene: XRCC2 (X-ray repair cross complementing 2; minus strand). Cytogenetic location: 7q36.1.
Variant type: single nucleotide variant.
Coding change: c.598C>T on transcript NM_005431.2 (MANE Select); coding-DNA position 598, C replaced by T.
Protein change: p.Gln200Ter; replaces glutamine 200 with a stop codon.
Molecular consequence: nonsense.
Genome position (GRCh38, 1-based): chr7:152,648,887, G>A on the plus strand (C>T on the coding strand, the complement: XRCC2 is on the minus strand). VCF-style: chr7-152648887-G-A. GRCh37 (hg19) VCF-style: chr7-152345972-G-A.
Other names: short protein forms Q200*.
Identifiers: ClinVar variation 1009039 (VCV001009039.8), dbSNP rs2098027254, ClinGen allele CA370198351.
Genomic context (GRCh38, chr7:152,648,887, plus strand): 5'-CCACATCACACAGTCGTCGAGAGGCATGAGAAGGTTCTTCTGATGAGCTCGAGGCTTTCT[G>A]CATTATAGTTTGTGTCGTTGCAAAAAGAACCAGGCGATAGTCATTTACAAGCTTCTCTAA-3'